The following is an entry in ClinVar:

ClinVar aggregate classification (germline): Conflicting classifications of pathogenicity. Review status: criteria provided, conflicting classifications (1 of 4 stars). 7 submissions from 7 submitters: Uncertain significance (1); Benign (1); Likely benign (3). 2 of the submissions do not count toward it. Last evaluated 2025-08-21.

Conditions:
Benign neonatal seizures. Also called: Benign familial neonatal seizures; Benign neonatal familial convulsions; Benign familial neonatal epilepsy; Convulsions benign familial neonatal dominant form; Autosomal dominant form of benign neonatal seizures. Identifiers: Orphanet 1949, MedGen C0220669, MONDO:0016027.

Allele frequency attached by ClinVar (database versions not stated): TOPMed 0.00004; gnomAD exomes 0.00005 and 0.00008; gnomAD 0.00008; ExAC 0.00013.
gnomAD v4.1: 92 of 1,614,040 alleles (0.0057%); highest among the groups gnomAD compares: Non-Finnish European, 0.0068%; no homozygotes.

Submissions (7):

Labcorp Genetics (formerly Invitae), Labcorp
Classification: Likely benign for Benign neonatal seizures. Last evaluated: 2025-08-21. Review status: criteria provided, single submitter. Criteria: Invitae Variant Classification Sherloc (09022015). Collection method: clinical testing. Allele origin: germline.

Blueprint Genetics
Classification: Likely benign. Last evaluated: 2024-10-17. Review status: criteria provided, single submitter. Criteria: ACMG Guidelines, 2015. Collection method: clinical testing. Allele origin: germline.

CeGaT Center for Human Genetics Tuebingen
Classification: Likely benign. Last evaluated: 2023-02-01. Review status: criteria provided, single submitter. Criteria: CeGaT Center For Human Genetics Tuebingen Variant Classification Criteria Version 2. Collection method: clinical testing. Allele origin: germline. Affected: yes. Observed: 3 variant alleles.
Comment: KCNQ3: BP4, BP7

Eurofins Ntd Llc (ga)
Classification: Uncertain significance. Last evaluated: 2017-02-03. Review status: criteria provided, single submitter. Criteria: EGL Classification Definitions 2015. Collection method: clinical testing. Allele origin: germline. Observed: 1 variant allele, 1 heterozygote.

GeneDx
Classification: Benign. Last evaluated: 2013-06-19. Review status: criteria provided, single submitter. Criteria: GeneDx Variant Classification (06012015). Collection method: clinical testing. Allele origin: germline. Affected: yes.
Comment: This variant is considered likely benign or benign based on one or more of the following criteria: it is a conservative change, it occurs at a poorly conserved position in the protein, it is predicted to be benign by multiple in silico algorithms, and/or has population frequency not consistent with disease.

Clinical Genetics DNA and cytogenetics Diagnostics Lab, Erasmus MC, Erasmus Medical Center
Classification: Likely benign. Review status: no assertion criteria provided. Collection method: clinical testing. Allele origin: germline. Affected: yes. Study: VKGL Data-share Consensus. Not counted in ClinVar's aggregate classification.

Genome Diagnostics Laboratory, University Medical Center Utrecht
Classification: Likely benign. Review status: no assertion criteria provided. Collection method: clinical testing. Allele origin: germline. Affected: yes. Study: VKGL Data-share Consensus. Not counted in ClinVar's aggregate classification.

NM_004519.4(KCNQ3):c.1935A>G (p.Gln645=)

Gene: KCNQ3 (potassium voltage-gated channel subfamily Q member 3; minus strand). Cytogenetic location: 8q24.22.
Variant type: single nucleotide variant.
Coding change: c.1935A>G on transcript NM_004519.4 (MANE Select); coding-DNA position 1935, A replaced by G.
Protein change: p.Gln645=; no amino-acid change (glutamine 645 retained).
Molecular consequence: synonymous variant.
Genome position (GRCh38, 1-based): chr8:132,129,946, T>C on the plus strand (A>G on the coding strand, the complement: KCNQ3 is on the minus strand). VCF-style: chr8-132129946-T-C. GRCh37 (hg19) VCF-style: chr8-133142193-T-C.
Other names: p.Q645Q:CAA>CAG; c.1575A>G, p.Gln525= (NM_001204824.2).
Identifiers: ClinVar variation 138047 (VCV000138047.55), dbSNP rs587781011, ClinGen allele CA291839.
Genomic context (GRCh38, chr8:132,129,946, plus strand): 5'-CGAGGAGGTGCCCTTGGTTGGGTAATACTCCGTGACCTGCACCTGCAACCGTTCCATGTG[T>C]TGCATGTGCATATCCACGAGGAAGTCCAGCTTCTTCCCCATGTCCTGAACCTGGAAAATC-3'
Protein context (NP_004510.1, residues 635-655): KLDFLVDMHM[Gln645=]HMERLQVQVT